The following is an entry in ClinVar:

NM_006947.4(SRP72):c.598C>T (p.Gln200Ter)

Gene: SRP72 (signal recognition particle 72; plus strand). Cytogenetic location: 4q12.
Variant type: single nucleotide variant.
Coding change: c.598C>T on transcript NM_006947.4 (MANE Select); coding-DNA position 598, C replaced by T.
Protein change: p.Gln200Ter; replaces glutamine 200 with a stop codon.
Molecular consequence: nonsense. On other transcripts: non-coding transcript variant (1).
Genome position (GRCh38, 1-based): chr4:56,474,379, C>T. VCF-style: chr4-56474379-C-T. GRCh37 (hg19) VCF-style: chr4-57340545-C-T.
Other names: c.598C>T, p.Gln200Ter (NM_001267722.2); short protein forms Q200*.
Identifiers: ClinVar variation 1398155 (VCV001398155.6), dbSNP rs2110114038, ClinGen allele CA356997178.

ClinVar aggregate classification (germline): Uncertain significance (1 of 4 stars; one submission).

Submission:

Labcorp Genetics (formerly Invitae), Labcorp
Classification: Uncertain significance. Last evaluated: 2020-12-18. Review status: criteria provided, single submitter. Criteria: Invitae Variant Classification Sherloc (09022015). Collection method: clinical testing. Allele origin: germline.
Comment: In summary, the available evidence is currently insufficient to determine the role of this variant in disease. Therefore, it has been classified as a Variant of Uncertain Significance. This variant has not been reported in the literature in individuals with SRP72-related conditions. This variant is not present in population databases (ExAC no frequency). This sequence change creates a premature translational stop signal (p.Gln200*) in the SRP72 gene. It is expected to result in an absent or disrupted protein product. However, the current clinical and genetic evidence is not sufficient to establish whether loss-of-function variants in SRP72 cause disease.